The following is an entry in ClinVar:

ClinVar aggregate classification (germline): Likely pathogenic. Review status: criteria provided, multiple submitters, no conflicts (2 of 4 stars). 4 submissions from 4 submitters: Likely pathogenic (4). Last evaluated 2026-04-29.

Conditions:
LPL-related disorder. Also called: LPL-related condition.
Hyperlipoproteinemia, type I. Also called: Lipoprotein Lipase Deficiency; Lipase D deficiency; Familial Lipoprotein Lipase Deficiency; HYPERLIPOPROTEINEMIA, TYPE IA; LPL DEFICIENCY; Hyperlipoproteinemia type 1. Identifiers: Orphanet 309015, Orphanet 444490, MedGen C0023817, MONDO:0009387, OMIM 238600. Disease mechanism: loss of function.

Allele frequency attached by ClinVar (database versions not stated): 1000 Genomes Project 30x 0.00016; 1000 Genomes Project 0.00020.
gnomAD v4.1: 1 of 1,614,176 alleles (0.000062%); highest among the groups gnomAD compares: East Asian, 0.0022%; no homozygotes.

Submissions (4):

PreventionGenetics, part of Exact Sciences
Classification: Likely pathogenic for LPL-related condition. Last evaluated: 2026-04-29. Review status: criteria provided, single submitter. Criteria: ACMG Guidelines, 2015. Collection method: clinical testing. Allele origin: germline.
Comment: The LPL c.710G>A variant is predicted to result in the amino acid substitution p.Gly237Asp. This variant has been reported in the homozygous state in two individuals with severe hypertriglyceridemia in a family study and predicted as pathogenic by in silico analyses (Rabacchi et al. 2015. PubMed ID: 25966443). This variant is reported in 0.0054% of alleles in individuals of East Asian descent in gnomAD. This variant is interpreted as likely pathogenic.

Women's Health and Genetics/Laboratory Corporation of America, LabCorp
Classification: Likely pathogenic for Hyperlipoproteinemia, type I. Last evaluated: 2025-07-08. Review status: criteria provided, single submitter. Criteria: LabCorp Variant Classification Summary - May 2015. Collection method: clinical testing. Allele origin: germline.
Comment: Variant summary: LPL c.710G>A (p.Gly237Asp) results in a non-conservative amino acid change in the encoded protein sequence. Algorithms developed to predict the effect of missense changes on protein structure and function all suggest that this variant is likely to be disruptive. The variant allele was found at a frequency of 4e-06 in 251458 control chromosomes (gnomAD). c.710G>A has been observed in individuals affected with Familial Lipoprotein Lipase Deficiency (e.g., Rabacchi_2015). These data indicate that the variant is likely to be associated with disease. To our knowledge, no experimental evidence demonstrating an impact on protein function has been reported. The following publications have been ascertained in the context of this evaluation (PMID: 25966443, 36325899). ClinVar contains an entry for this variant (Variation ID: 2735129). Based on the evidence outlined above, the variant was classified as likely pathogenic.

Labcorp Genetics (formerly Invitae), Labcorp
Classification: Likely pathogenic. Last evaluated: 2023-08-28. Review status: criteria provided, single submitter. Criteria: Invitae Variant Classification Sherloc (09022015). Collection method: clinical testing. Allele origin: germline.
Comment: This sequence change replaces glycine, which is neutral and non-polar, with aspartic acid, which is acidic and polar, at codon 237 of the LPL protein (p.Gly237Asp). This variant is not present in population databases (gnomAD no frequency). This missense change has been observed in individual(s) with clinical features of chylomicronemia (PMID: 25966443). It has also been observed to segregate with disease in related individuals. Advanced modeling of protein sequence and biophysical properties (such as structural, functional, and spatial information, amino acid conservation, physicochemical variation, residue mobility, and thermodynamic stability) performed at Invitae indicates that this missense variant is expected to disrupt LPL protein function. In summary, the currently available evidence indicates that the variant is pathogenic, but additional data are needed to prove that conclusively. Therefore, this variant has been classified as Likely Pathogenic.

Mayo Clinic Laboratories, Mayo Clinic
Classification: Likely pathogenic. Last evaluated: 2023-07-13. Review status: criteria provided, single submitter. Criteria: ACMG Guidelines, 2015. Collection method: clinical testing. Allele origin: germline. Observed: 1 variant allele.
Comment: PP3, PM1, PM2, PS4_moderate

Literature cited by the submitters: PubMed 25966443 (cited by 3 submitters); PubMed 36325899 (cited by Women's Health and Genetics/Laboratory Corporation of America, LabCorp).

NM_000237.3(LPL):c.710G>A (p.Gly237Asp)

Gene: LPL (lipoprotein lipase; plus strand). Cytogenetic location: 8p21.3.
Variant type: single nucleotide variant.
Coding change: c.710G>A on transcript NM_000237.3 (MANE Select); coding-DNA position 710, G replaced by A.
Protein change: p.Gly237Asp; replaces glycine 237 with aspartic acid.
Molecular consequence: missense variant.
Genome position (GRCh38, 1-based): chr8:19,954,288, G>A. VCF-style: chr8-19954288-G-A. GRCh37 (hg19) VCF-style: chr8-19811799-G-A.
Other names: p.Gly237Asp; c.710G>A (NM_000237.2); short protein forms G237D.
Identifiers: ClinVar variation 2735129 (VCV002735129.6), dbSNP rs571478179, ClinGen allele CA173377547.
Genomic context (GRCh38, chr8:19,954,288, plus strand): 5'-CTGGTCGAAGCATTGGAATCCAGAAACCAGTTGGGCATGTTGACATTTACCCGAATGGAG[G>A]TACTTTTCAGCCAGGATGTAACATTGGAGAAGCTATCCGCGTGATTGCAGAGAGAGGACT-3'
Protein context (NP_000228.1, residues 227-247): VGHVDIYPNG[Gly237Asp]TFQPGCNIGE